The following is an entry in ClinVar:

ClinVar aggregate classification (germline): Uncertain significance (1 of 4 stars; one submission).

Allele frequency attached by ClinVar (database versions not stated): gnomAD 0.00003; gnomAD exomes 0.00003; TOPMed 0.00004; ExAC 0.00005.

Submission:

Labcorp Genetics (formerly Invitae), Labcorp
Classification: Uncertain significance. Last evaluated: 2022-08-10. Review status: criteria provided, single submitter. Criteria: Invitae Variant Classification Sherloc (09022015). Collection method: clinical testing. Allele origin: germline.
Comment: This sequence change replaces proline, which is neutral and non-polar, with leucine, which is neutral and non-polar, at codon 19 of the BLOC1S3 protein (p.Pro19Leu). The frequency data for this variant in the population databases is considered unreliable, as metrics indicate poor data quality at this position in the gnomAD database. This variant has not been reported in the literature in individuals affected with BLOC1S3-related conditions. ClinVar contains an entry for this variant (Variation ID: 1483172). Algorithms developed to predict the effect of missense changes on protein structure and function are either unavailable or do not agree on the potential impact of this missense change (SIFT: "Tolerated"; PolyPhen-2: "Possibly Damaging"; Align-GVGD: "Class C0"). In summary, the available evidence is currently insufficient to determine the role of this variant in disease. Therefore, it has been classified as a Variant of Uncertain Significance.

NM_212550.5(BLOC1S3):c.56C>T (p.Pro19Leu)

Gene: BLOC1S3 (biogenesis of lysosomal organelles complex 1 subunit 3; plus strand). Cytogenetic location: 19q13.32.
Variant type: single nucleotide variant.
Coding change: c.56C>T on transcript NM_212550.5 (MANE Select); coding-DNA position 56, C replaced by T.
Protein change: p.Pro19Leu; replaces proline 19 with leucine.
Molecular consequence: missense variant.
Genome position (GRCh38, 1-based): chr19:45,179,352, C>T. VCF-style: chr19-45179352-C-T. GRCh37 (hg19) VCF-style: chr19-45682610-C-T.
Other names: short protein forms P19L.
Identifiers: ClinVar variation 1483172 (VCV001483172.5), dbSNP rs756252587, ClinGen allele CA9510203.